The following is an entry in ClinVar:

ClinVar aggregate classification (germline): Uncertain significance (1 of 4 stars; one submission).

Conditions:
Cenani-Lenz syndactyly syndrome. Also called: SYNDACTYLY, TYPE VII; CENANI SYNDACTYLISM. Identifiers: Orphanet 3258, MedGen C1859309, MONDO:0008931, OMIM 212780.
Congenital myasthenic syndrome 17. Identifiers: Orphanet 590, MedGen C4225377, MONDO:0014578, OMIM 616304.
Sclerosteosis 2 (SOST2). Identifiers: Orphanet 3152, MedGen C3280402, MONDO:0013679, OMIM 614305.

Allele frequency attached by ClinVar (database versions not stated): ExAC 0.00002; gnomAD exomes 0.00001.
gnomAD v4.1: 8 of 1,613,464 alleles (0.0005%); highest among the groups gnomAD compares: Middle Eastern, 0.016%; no homozygotes.

Submission:

Labcorp Genetics (formerly Invitae), Labcorp
Classification: Uncertain significance for Cenani-Lenz syndactyly syndrome; Sclerosteosis 2; Congenital myasthenic syndrome 17. Last evaluated: 2025-10-21. Review status: criteria provided, single submitter. Criteria: Invitae Variant Classification Sherloc (09022015). Collection method: clinical testing. Allele origin: germline.
Comment: This sequence change replaces lysine, which is basic and polar, with arginine, which is basic and polar, at codon 925 of the LRP4 protein (p.Lys925Arg). This variant is present in population databases (rs762291377, gnomAD 0.002%). This variant has not been reported in the literature in individuals affected with LRP4-related conditions. ClinVar contains an entry for this variant (Variation ID: 2153396). Invitae Evidence Modeling of protein sequence and biophysical properties (such as structural, functional, and spatial information, amino acid conservation, physicochemical variation, residue mobility, and thermodynamic stability) indicates that this missense variant is expected to disrupt LRP4 protein function with a positive predictive value of 80%. In summary, the available evidence is currently insufficient to determine the role of this variant in disease. Therefore, it has been classified as a Variant of Uncertain Significance.

NM_002334.4(LRP4):c.2774A>G (p.Lys925Arg)

Gene: LRP4 (LDL receptor related protein 4; minus strand). Cytogenetic location: 11p11.2.
Variant type: single nucleotide variant.
Coding change: c.2774A>G on transcript NM_002334.4 (MANE Select); coding-DNA position 2774, A replaced by G.
Protein change: p.Lys925Arg; replaces lysine 925 with arginine.
Molecular consequence: missense variant.
Genome position (GRCh38, 1-based): chr11:46,881,742, T>C on the plus strand (A>G on the coding strand, the complement: LRP4 is on the minus strand). VCF-style: chr11-46881742-T-C. GRCh37 (hg19) VCF-style: chr11-46903293-T-C.
Other names: short protein forms K925R.
Identifiers: ClinVar variation 2153396 (VCV002153396.2), dbSNP rs762291377, ClinGen allele CA5969803.